The following is an entry in ClinVar:

ClinVar aggregate classification (germline): Likely pathogenic (1 of 4 stars; one submission).

Conditions:
Hereditary cancer-predisposing syndrome. Also called: Neoplastic Syndromes, Hereditary; Tumor predisposition; Hereditary Cancer Syndrome; Hereditary neoplastic syndrome. Identifiers: Orphanet 140162, MedGen C0027672, MeSH D009386, MONDO:0015356.

Submission:

Ambry Genetics
Classification: Likely pathogenic for Hereditary cancer-predisposing syndrome. Last evaluated: 2026-01-12. Review status: criteria provided, single submitter. Criteria: Ambry Variant Classification Scheme 2023. Collection method: clinical testing. Allele origin: germline.
Comment: The c.1794+1G>T intronic variant results from a G to T substitution one nucleotide after coding exon 13 of the SDHA gene. Alterations that disrupt the canonical splice site are expected to cause aberrant splicing, resulting in an abnormal protein or a transcript that is subject to nonsense-mediated mRNA decay. In silico splice site analysis predicts that this alteration will weaken the native splice donor site and may result in the creation or strengthening of a novel splice donor site. This variant is considered to be rare based on population cohorts in the Genome Aggregation Database (gnomAD). Based on the majority of available evidence to date, this variant is likely to be pathogenic.

NM_004168.4(SDHA):c.1794+1G>T

Gene: SDHA (succinate dehydrogenase complex flavoprotein subunit A; plus strand). Cytogenetic location: 5p15.33.
Variant type: single nucleotide variant.
Coding change: c.1794+1G>T on transcript NM_004168.4 (MANE Select); the canonical splice donor site of the intron after coding-DNA position 1794, G replaced by T.
Molecular consequence: splice donor variant. On other transcripts: intron variant (1).
Genome position (GRCh38, 1-based): chr5:251,469, G>T. VCF-style: chr5-251469-G-T. GRCh37 (hg19) VCF-style: chr5-251584-G-T.
Other names: c.1552-2924G>T (NM_001330758.2); c.1650+1G>T (NM_001294332.2).
Identifiers: ClinVar variation 4843549 (VCV004843549.1).